The following is an entry in ClinVar:

NM_000368.5(TSC1):c.2626-24G>A

Gene: TSC1 (TSC complex subunit 1; minus strand). Cytogenetic location: 9q34.13.
Variant type: single nucleotide variant.
Coding change: c.2626-24G>A on transcript NM_000368.5 (MANE Select); 24 bases into the intron before coding-DNA position 2626, G replaced by A.
Molecular consequence: intron variant.
Genome position (GRCh38, 1-based): chr9:132,897,634, C>T on the plus strand (G>A on the coding strand, the complement: TSC1 is on the minus strand). VCF-style: chr9-132897634-C-T. GRCh37 (hg19) VCF-style: chr9-135773021-C-T.
Other names: c.2260-24G>A (NM_001406620.1, NM_001406621.1, NM_001406622.1 and 1 more transcripts); c.2263-24G>A (NM_001406618.1, NM_001406617.1, NM_001406619.1 and 4 more transcripts); c.2218-24G>A (NM_001406625.1); c.2428-24G>A (NM_001406613.1); c.2470-24G>A (NM_001406612.1, NM_001406611.1); c.2473-24G>A (NM_001406610.1, NM_001162427.2); c.1672-24G>A (NM_001406627.1, NM_001406628.1); c.1573-24G>A (NM_001406629.1, NM_001406630.1); and 8 more.
Identifiers: ClinVar variation 3052261 (VCV003052261.2), dbSNP rs1480408004, ClinGen allele CA591361246.

ClinVar aggregate classification (germline): Likely benign (0 of 4 stars; one submission).

Conditions:
TSC1-related disorder. Also called: TSC1-related condition.

Allele frequency attached by ClinVar (database versions not stated): TOPMed below 0.00001; gnomAD exomes 0.00001; gnomAD 0.00002.
gnomAD v4.1: 10 of 900,366 alleles (0.0011%); highest among the groups gnomAD compares: African/African-American, 0.0018%; no homozygotes.

Submission:

PreventionGenetics, part of Exact Sciences
Classification: Likely benign for TSC1-related condition. Last evaluated: 2023-02-14. Review status: no assertion criteria provided. Collection method: clinical testing. Allele origin: germline.
Comment: This variant is classified as likely benign based on ACMG/AMP sequence variant interpretation guidelines (Richards et al. 2015 PMID: 25741868, with internal and published modifications).